The following is an entry in ClinVar:

NM_001039213.4(CEACAM16):c.1124C>A (p.Ala375Glu)

Genes: CEACAM16 (CEA cell adhesion molecule 16, tectorial membrane component; plus strand), CEACAM16-AS1 (CEACAM16, CEACAM19 and PVR antisense RNA 1; minus strand). Cytogenetic location: 19q13.32.
Variant type: single nucleotide variant.
Coding change: c.1124C>A on transcript NM_001039213.4 (MANE Select); coding-DNA position 1124, C replaced by A.
Protein change: p.Ala375Glu; replaces alanine 375 with glutamic acid.
Molecular consequence: missense variant.
Genome position (GRCh38, 1-based): chr19:44,708,044, C>A. VCF-style: chr19-44708044-C-A. GRCh37 (hg19) VCF-style: chr19-45211316-C-A.
Other names: short protein forms A375E.
Identifiers: ClinVar variation 1967829 (VCV001967829.5), dbSNP rs369526797, ClinGen allele CA406293360.
Genomic context (GRCh38, chr19:44,708,044, plus strand): 5'-CCTCCGAGCCCAACCGGCTGCTCAGCCAGCTGCCGTCAGGAACCTGGATTGCAGGCCCCG[C>A]GCACACAGGCCGGGAGGTGGGCTTCCCCAACTGCTCGCTGTTGGTGCAGAAGCTGAACCT-3'
Protein context (NP_001034302.2, residues 365-385): LPSGTWIAGP[Ala375Glu]HTGREVGFPN

ClinVar aggregate classification (germline): Uncertain significance (1 of 4 stars; one submission).

gnomAD v4.1: 6 of 1,612,550 alleles (0.00037%); highest among the groups gnomAD compares: Non-Finnish European, 0.00051%; no homozygotes.

Submission:

Labcorp Genetics (formerly Invitae), Labcorp
Classification: Uncertain significance. Last evaluated: 2023-07-31. Review status: criteria provided, single submitter. Criteria: Invitae Variant Classification Sherloc (09022015). Collection method: clinical testing. Allele origin: germline.
Comment: An algorithm developed to predict the effect of missense changes on protein structure and function (PolyPhen-2) suggests that this variant is likely to be disruptive. This sequence change replaces alanine, which is neutral and non-polar, with glutamic acid, which is acidic and polar, at codon 375 of the CEACAM16 protein (p.Ala375Glu). This variant is present in population databases (no rsID available, gnomAD 0.0009%). This variant has not been reported in the literature in individuals affected with CEACAM16-related conditions. ClinVar contains an entry for this variant (Variation ID: 1967829). In summary, the available evidence is currently insufficient to determine the role of this variant in disease. Therefore, it has been classified as a Variant of Uncertain Significance.